The following is an entry in ClinVar:

ClinVar aggregate classification (germline): Pathogenic (1 of 4 stars; one submission).

Conditions:
Duchenne muscular dystrophy (DMD). Also called: MUSCULAR DYSTROPHY, PSEUDOHYPERTROPHIC PROGRESSIVE, DUCHENNE TYPE; Duchenne Muscular Dystrophy (DMD). Identifiers: Orphanet 98896, MedGen C0013264, MONDO:0010679, OMIM 310200.

Submission:

Labcorp Genetics (formerly Invitae), Labcorp
Classification: Pathogenic for Duchenne muscular dystrophy. Last evaluated: 2019-11-04. Review status: criteria provided, single submitter. Criteria: Invitae Variant Classification Sherloc (09022015). Collection method: clinical testing. Allele origin: germline.
Comment: This variant is an in-frame deletion of the genomic region encompassing exons 45-51 of the DMD gene. It preserves the integrity of the reading frame. Deletions of exons 45-51 have been reported in multiple individuals affected with Duchenne or Becker muscular dystrophy (PMID: 19367636, 20153965, 9007319, 16770791). For these reasons, this variant has been classified as Pathogenic.

Literature cited by the submitters: PubMed 16770791; PubMed 19367636; PubMed 9007319; PubMed 20153965.

NC_000023.11:g.(?_31773950)_(31879410_?)del

Genes: DMD (dystrophin; minus strand), LOC129391296 (MPRA-validated peak7373 silencer; plus strand). Cytogenetic location: Xp21.1.
Variant type: Deletion.
Identifiers: ClinVar variation 657921 (VCV000657921.2).